The following is an entry in ClinVar:

NM_005645.4(TAF13):c.122A>G (p.Tyr41Cys)

Gene: TAF13 (TATA-box binding protein associated factor 13; minus strand). Cytogenetic location: 1p13.3.
Variant type: single nucleotide variant.
Coding change: c.122A>G on transcript NM_005645.4 (MANE Select); coding-DNA position 122, A replaced by G.
Protein change: p.Tyr41Cys; replaces tyrosine 41 with cysteine.
Molecular consequence: missense variant.
Genome position (GRCh38, 1-based): chr1:109,066,217, T>C on the plus strand (A>G on the coding strand, the complement: TAF13 is on the minus strand). VCF-style: chr1-109066217-T-C. GRCh37 (hg19) VCF-style: chr1-109608839-T-C.
Other names: short protein forms Y41C.
Identifiers: ClinVar variation 1030003 (VCV001030003.1), dbSNP rs773661572, ClinGen allele CA984352.

ClinVar aggregate classification (germline): Uncertain significance (1 of 4 stars; one submission).

Conditions:
Intellectual developmental disorder, autosomal recessive 60. Also called: Intellectual disability, autosomal recessive 60; MENTAL RETARDATION, AUTOSOMAL RECESSIVE 60. Identifiers: MedGen C4479476, MONDO:0044313, OMIM 617432.

Allele frequency attached by ClinVar (database versions not stated): gnomAD 0.00001; gnomAD exomes 0.00002 and below 0.00001; ExAC 0.00002; TOPMed below 0.00001.
gnomAD v4.1: 5 of 1,608,474 alleles (0.00031%); highest among the groups gnomAD compares: Admixed American, 0.0017%; no homozygotes.

Submission:

Baylor Genetics
Classification: Uncertain significance for Intellectual developmental disorder, autosomal recessive 60. Last evaluated: 2019-06-19. Review status: criteria provided, single submitter. Criteria: ACMG Guidelines, 2015. Collection method: clinical testing. Allele origin: unknown. Affected: yes.
Comment: This variant was determined to be of uncertain significance according to ACMG Guidelines, 2015 [PMID:25741868].